The following is an entry in ClinVar:

NM_022168.4(IFIH1):c.420G>A (p.Glu140=)

Gene: IFIH1 (interferon induced with helicase C domain 1; minus strand). Cytogenetic location: 2q24.2.
Variant type: single nucleotide variant.
Coding change: c.420G>A on transcript NM_022168.4 (MANE Select); coding-DNA position 420, G replaced by A.
Protein change: p.Glu140=; no amino-acid change (glutamic acid 140 retained).
Molecular consequence: synonymous variant.
Genome position (GRCh38, 1-based): chr2:162,317,888, C>T on the plus strand (G>A on the coding strand, the complement: IFIH1 is on the minus strand). VCF-style: chr2-162317888-C-T. GRCh37 (hg19) VCF-style: chr2-163174398-C-T.
Identifiers: ClinVar variation 705192 (VCV000705192.37), dbSNP rs74162073, ClinGen allele CA1934831.
Genomic context (GRCh38, chr2:162,317,888, plus strand): 5'-GCTAGCTCCATCTGAACAGACACCTACCCGGTTTCTGTCTTCAATTGTCAACAGTTCCTC[C>T]TCCATGCACTTATCCAAGACGTCTCTAACTAGAAGCTTGTCCACCAGAGTGGGCTGAAGG-3'
Protein context (NP_071451.2, residues 130-150): LVRDVLDKCM[Glu140=]EELLTIEDRN

ClinVar aggregate classification (germline): Benign/Likely benign. Review status: criteria provided, multiple submitters, no conflicts (2 of 4 stars). 5 submissions from 5 submitters: Benign (1); Likely benign (4). Last evaluated 2026-08-01.

Conditions:
IFIH1-related disorder. Also called: IFIH1-related condition.
Aicardi-Goutieres syndrome 7 (AGS7). Identifiers: Orphanet 51, MedGen C3888244, MONDO:0014367, OMIM 615846.
Singleton-Merten syndrome 1 (SGMRT1). Also called: Widened medullary cavities of bone, aortic calcification, abnormal dentition, and muscular weakness; Syndrome of widened medullary cavities of the metacarpals and phalanges, aortic calcification and abnormal dentition. Identifiers: Orphanet 85191, MedGen C4225427, MONDO:0024535, OMIM 182250.

Allele frequency attached by ClinVar (database versions not stated): 1000 Genomes Project 30x 0.00016; 1000 Genomes Project 0.00020; ESP Exome Variant Server 0.00023; ExAC 0.00024; gnomAD 0.00025 and 0.00026; gnomAD exomes 0.00027 and 0.00050; TOPMed 0.00029.
gnomAD v4.1: 776 of 1,602,586 alleles (0.048%); highest among the groups gnomAD compares: Non-Finnish European, 0.061%; no homozygotes.

Submissions (5):

CeGaT Center for Human Genetics Tuebingen
Classification: Likely benign. Last evaluated: 2026-08-01. Review status: criteria provided, single submitter. Criteria: CeGaT Center For Human Genetics Tuebingen Variant Classification Criteria Version 2. Collection method: clinical testing. Allele origin: germline. Affected: yes. Observed: 4 variant alleles.
Comment: IFIH1: BP4, BP7

Labcorp Genetics (formerly Invitae), Labcorp
Classification: Likely benign for Aicardi-Goutieres syndrome 7; Singleton-Merten syndrome 1. Last evaluated: 2026-01-22. Review status: criteria provided, single submitter. Criteria: Invitae Variant Classification Sherloc (09022015). Collection method: clinical testing. Allele origin: germline.

Women's Health and Genetics/Laboratory Corporation of America, LabCorp
Classification: Benign. Last evaluated: 2026-01-12. Review status: criteria provided, single submitter. Criteria: LabCorp Variant Classification Summary - May 2015. Collection method: clinical testing. Allele origin: germline.

PreventionGenetics, part of Exact Sciences
Classification: Likely benign for IFIH1-related condition. Last evaluated: 2025-09-10. Review status: criteria provided, single submitter. Criteria: ACMG Guidelines, 2015. Collection method: clinical testing. Allele origin: germline.
Comment: This variant is classified as likely benign based on ACMG/AMP sequence variant interpretation guidelines (Richards et al. 2015 PMID: 25741868, with internal and published modifications).

Blueprint Genetics
Classification: Likely benign. Last evaluated: 2024-11-26. Review status: criteria provided, single submitter. Criteria: ACMG Guidelines, 2015. Collection method: clinical testing. Allele origin: germline.